The following is an entry in ClinVar:

NM_017617.5(NOTCH1):c.2466A>C (p.Thr822=)

Gene: NOTCH1 (notch receptor 1; minus strand). Cytogenetic location: 9q34.3.
Variant type: single nucleotide variant.
Coding change: c.2466A>C on transcript NM_017617.5 (MANE Select); coding-DNA position 2466, A replaced by C.
Protein change: p.Thr822=; no amino-acid change (threonine 822 retained).
Molecular consequence: synonymous variant.
Genome position (GRCh38, 1-based): chr9:136,513,022, T>G on the plus strand (A>C on the coding strand, the complement: NOTCH1 is on the minus strand). VCF-style: chr9-136513022-T-G. GRCh37 (hg19) VCF-style: chr9-139407474-T-G.
Identifiers: ClinVar variation 3201349 (VCV003201349.1), dbSNP rs755286299, ClinGen allele CA467833167.

ClinVar aggregate classification (germline): Uncertain significance (1 of 4 stars; one submission).

Conditions:
Familial thoracic aortic aneurysm and aortic dissection (TAAD). Also called: Thoracic aortic aneurysms and dissections. Identifiers: Orphanet 91387, MedGen C4707243, MONDO:0019625.

Allele frequency attached by ClinVar (database versions not stated): TOPMed below 0.00001; gnomAD 0.00002.
gnomAD v4.1: 23 of 752,928 alleles (0.0031%); highest among the groups gnomAD compares: Non-Finnish European, 0.0039%; no homozygotes.

Submission:

Ambry Genetics
Classification: Uncertain significance for Familial thoracic aortic aneurysm and aortic dissection. Last evaluated: 2022-01-07. Review status: criteria provided, single submitter. Criteria: Ambry Variant Classification Scheme 2023. Collection method: clinical testing. Allele origin: germline.
Comment: The c.2466A>C (p.T822T) alteration is located in exon 15 (coding exon 15) of the NOTCH1 gene. This alteration consists of a A to C substitution at nucleotide position 2466. This nucleotide substitution does not change the amino acid at codon 822. However, this change occurs in the last nucleotide of Exon 15 (c.2354_2467) which makes it likely to have some effect on normal mRNA splicing. Based on insufficient or conflicting evidence, the clinical significance of this alteration remains unclear.